The following is an entry in ClinVar:

ClinVar aggregate classification (germline): Benign/Likely benign. Review status: criteria provided, multiple submitters, no conflicts (2 of 4 stars). 3 submissions from 3 submitters: Benign (2); Likely benign (1). Last evaluated 2026-04-01.

Conditions:
Kabuki syndrome. Also called: NIIKAWA-KUROKI SYNDROME; Kabuki make-up syndrome. Identifiers: Orphanet 2322, MedGen C0796004, MONDO:0016512.

Allele frequency attached by ClinVar (database versions not stated): TOPMed below 0.00001; gnomAD exomes 0.00001; ExAC 0.00002.
gnomAD v4.1: 12 of 1,612,188 alleles (0.00074%); highest among the groups gnomAD compares: Admixed American, 0.0083%; no homozygotes.

Submissions (3):

CeGaT Center for Human Genetics Tuebingen
Classification: Likely benign. Last evaluated: 2026-04-01. Review status: criteria provided, single submitter. Criteria: CeGaT Center For Human Genetics Tuebingen Variant Classification Criteria Version 2. Collection method: clinical testing. Allele origin: germline. Affected: yes. Observed: 2 variant alleles.
Comment: KMT2D: BP4, BP7

Labcorp Genetics (formerly Invitae), Labcorp
Classification: Benign for Kabuki syndrome. Last evaluated: 2025-06-10. Review status: criteria provided, single submitter. Criteria: Invitae Variant Classification Sherloc (09022015). Collection method: clinical testing. Allele origin: germline.

Athena Diagnostics
Classification: Benign. Last evaluated: 2025-01-31. Review status: criteria provided, single submitter. Criteria: Athena Diagnostics Criteria. Collection method: clinical testing. Allele origin: unknown.
Comment: The frequency of this variant in the general population is higher than would generally be expected for pathogenic variants in this gene. Computational tools yielded predictions that this variant is unlikely to have an effect on normal RNA splicing. This nucleotide position exhibits low evolutionary conservation.

NM_003482.4(KMT2D):c.8802C>T (p.Pro2934=)

Gene: KMT2D (lysine methyltransferase 2D; minus strand). Cytogenetic location: 12q13.12.
Variant type: single nucleotide variant.
Coding change: c.8802C>T on transcript NM_003482.4 (MANE Select); coding-DNA position 8802, C replaced by T.
Protein change: p.Pro2934=; no amino-acid change (proline 2934 retained).
Molecular consequence: synonymous variant.
Genome position (GRCh38, 1-based): chr12:49,038,554, G>A on the plus strand (C>T on the coding strand, the complement: KMT2D is on the minus strand). VCF-style: chr12-49038554-G-A. GRCh37 (hg19) VCF-style: chr12-49432337-G-A.
Identifiers: ClinVar variation 2046718 (VCV002046718.11), dbSNP rs143846196, ClinGen allele CA6546792.
Genomic context (GRCh38, chr12:49,038,554, plus strand): 5'-ACCCTTGGTGTGGGGTGTTGGATGAAGACTGTTGTTCAATTCAGGGGCCGGTGGGGCTGA[G>A]GGTTTCTGTGGGGGAAGACCTGATACCGCCAGGCCCCGAAGCCCTTCAGGAGCCAGTCGG-3'
Protein context (NP_003473.3, residues 2924-2944): LAVSGLPPQK[Pro2934=]SAPPAPELNN